The following is an entry in ClinVar:

ClinVar aggregate classification (germline): Uncertain significance. Review status: criteria provided, multiple submitters, no conflicts (2 of 4 stars). 3 submissions from 3 submitters: Uncertain significance (3). Last evaluated 2025-07-02.

Conditions:
Inborn genetic diseases. Identifiers: MedGen C0950123, MeSH D030342.

Allele frequency attached by ClinVar (database versions not stated): gnomAD exomes below 0.00001 and 0.00001; ExAC 0.00001; gnomAD 0.00003 and 0.00004; TOPMed 0.00005.
gnomAD v4.1: 13 of 1,611,008 alleles (0.00081%); highest among the groups gnomAD compares: African/African-American, 0.016%; no homozygotes.

Submissions (3):

Ambry Genetics
Classification: Uncertain significance for Inborn genetic diseases. Last evaluated: 2025-07-02. Review status: criteria provided, single submitter. Criteria: Ambry Variant Classification Scheme 2023. Collection method: clinical testing. Allele origin: germline.

Blueprint Genetics
Classification: Uncertain significance. Last evaluated: 2024-11-13. Review status: criteria provided, single submitter. Criteria: ACMG Guidelines, 2015. Collection method: clinical testing. Allele origin: germline.

Labcorp Genetics (formerly Invitae), Labcorp
Classification: Uncertain significance. Last evaluated: 2022-07-06. Review status: criteria provided, single submitter. Criteria: Invitae Variant Classification Sherloc (09022015). Collection method: clinical testing. Allele origin: germline.
Comment: In summary, the available evidence is currently insufficient to determine the role of this variant in disease. Therefore, it has been classified as a Variant of Uncertain Significance. Algorithms developed to predict the effect of missense changes on protein structure and function (SIFT, PolyPhen-2, Align-GVGD) all suggest that this variant is likely to be tolerated. ClinVar contains an entry for this variant (Variation ID: 1003415). This variant has not been reported in the literature in individuals affected with TTLL5-related conditions. This variant is present in population databases (rs754769449, gnomAD 0.01%). This sequence change replaces isoleucine, which is neutral and non-polar, with threonine, which is neutral and polar, at codon 1007 of the TTLL5 protein (p.Ile1007Thr).

NM_015072.5(TTLL5):c.3020T>C (p.Ile1007Thr)

Gene: TTLL5 (tubulin tyrosine ligase like 5; plus strand). Cytogenetic location: 14q24.3.
Variant type: single nucleotide variant.
Coding change: c.3020T>C on transcript NM_015072.5 (MANE Select); coding-DNA position 3020, T replaced by C.
Protein change: p.Ile1007Thr; replaces isoleucine 1007 with threonine.
Molecular consequence: missense variant.
Genome position (GRCh38, 1-based): chr14:75,792,949, T>C. VCF-style: chr14-75792949-T-C. GRCh37 (hg19) VCF-style: chr14-76259292-T-C.
Other names: c.3020T>C (NM_015072.4); short protein forms I1007T.
Identifiers: ClinVar variation 1003415 (VCV001003415.10), dbSNP rs754769449, ClinGen allele CA7279879.